The following is an entry in ClinVar:

ClinVar aggregate classification (germline): Uncertain significance (1 of 4 stars; one submission).

Conditions:
Cardiovascular phenotype. Identifiers: MedGen CN230736.

Submission:

Ambry Genetics
Classification: Uncertain significance for Cardiovascular phenotype. Last evaluated: 2025-03-23. Review status: criteria provided, single submitter. Criteria: Ambry Variant Classification Scheme 2023. Collection method: clinical testing. Allele origin: germline.
Comment: The p.R3414W variant (also known as c.10240A>T), located in coding exon 2 of the ZNF469 gene, results from an A to T substitution at nucleotide position 10240. The arginine at codon 3414 is replaced by tryptophan, an amino acid with dissimilar properties. This amino acid position is conserved. In addition, this alteration is predicted to be tolerated by in silico analysis. Based on the available evidence, the clinical significance of this variant remains unclear.

NM_001367624.2(ZNF469):c.10324A>T (p.Arg3442Trp)

Gene: ZNF469 (zinc finger protein 469; plus strand). Cytogenetic location: 16q24.2.
Variant type: single nucleotide variant.
Coding change: c.10324A>T on transcript NM_001367624.2 (MANE Select); coding-DNA position 10324, A replaced by T.
Protein change: p.Arg3442Trp; replaces arginine 3442 with tryptophan.
Molecular consequence: missense variant.
Genome position (GRCh38, 1-based): chr16:88,437,794, A>T. VCF-style: chr16-88437794-A-T. GRCh37 (hg19) VCF-style: chr16-88504202-A-T.
Other names: NM_001127464.1:c.10240A>T; short protein forms R3442W.
Identifiers: ClinVar variation 3987293 (VCV003987293.1).